The following is an entry in ClinVar:

ClinVar aggregate classification (germline): Benign/Likely benign. Review status: criteria provided, multiple submitters, no conflicts (2 of 4 stars). 2 submissions from 2 submitters: Benign (1); Likely benign (1). Last evaluated 2025-10-28.

Conditions:
PHF21A-related disorder. Also called: PHF21A-related condition.

Allele frequency attached by ClinVar (database versions not stated): TOPMed 0.00006; gnomAD 0.00007; ExAC 0.00028; 1000 Genomes Project 30x 0.00031; 1000 Genomes Project 0.00040.
gnomAD v4.1: 202 of 1,613,320 alleles (0.013%); highest among the groups gnomAD compares: South Asian, 0.14%; 1 homozygote.

Submissions (2):

Labcorp Genetics (formerly Invitae), Labcorp
Classification: Benign. Last evaluated: 2025-10-28. Review status: criteria provided, single submitter. Criteria: Invitae Variant Classification Sherloc (09022015). Collection method: clinical testing. Allele origin: germline.

PreventionGenetics, part of Exact Sciences
Classification: Likely benign for PHF21A-related condition. Last evaluated: 2025-07-10. Review status: criteria provided, single submitter. Criteria: ACMG Guidelines, 2015. Collection method: clinical testing. Allele origin: germline.
Comment: This variant is classified as likely benign based on ACMG/AMP sequence variant interpretation guidelines (Richards et al. 2015 PMID: 25741868, with internal and published modifications).

NM_001352027.3(PHF21A):c.1350A>G (p.Gln450=)

Gene: PHF21A (PHD finger protein 21A; minus strand). Cytogenetic location: 11p11.2.
Variant type: single nucleotide variant.
Coding change: c.1350A>G on transcript NM_001352027.3 (MANE Select); coding-DNA position 1350, A replaced by G.
Protein change: p.Gln450=; no amino-acid change (glutamine 450 retained).
Molecular consequence: synonymous variant. On other transcripts: non-coding transcript variant (1), intron variant (6).
Genome position (GRCh38, 1-based): chr11:45,945,942, T>C on the plus strand (A>G on the coding strand, the complement: PHF21A is on the minus strand). VCF-style: chr11-45945942-T-C. GRCh37 (hg19) VCF-style: chr11-45967493-T-C.
Other names: c.1347A>G, p.Gln449= (NM_001101802.3); c.1350A>G, p.Gln450= (NM_001352025.3, NM_001352026.3); c.1308+134A>G (NM_001352030.3, NM_001352031.3, NM_001352032.3); c.1311+134A>G (NM_016621.5, NM_001352028.1, NM_001352029.1); c.1350A>G (NM_001352026.1).
Identifiers: ClinVar variation 2189329 (VCV002189329.5), dbSNP rs202239805, ClinGen allele CA5961114.
Genomic context (GRCh38, chr11:45,945,942, plus strand): 5'-TGCAGGGAAAGTGAATGTGGTCTCTGTCTTTTCATTTTCAGGGGAGTCAGGATGACTGGA[T>C]TGGGGGGATGTTGGGGTAAGGGCTCCAAACCCCAGCACTGCATTGTATTTTGGAGGACGA-3'
Protein context (NP_001338956.1, residues 440-460): GFGALTPTSP[Gln450=]SSHPDSPENE